The following is an entry in ClinVar:

ClinVar aggregate classification (germline): Uncertain significance (1 of 4 stars; one submission).

Conditions:
Early-infantile DEE. Also called: Ohtahara syndrome; Early infantile epileptic encephalopathy with suppression bursts; Early infantile epileptic encephalopathy. Identifiers: Orphanet 1934, MedGen C0393706, MONDO:0800491.

Allele frequency attached by ClinVar (database versions not stated): gnomAD exomes below 0.00001; ExAC 0.00001.
gnomAD v4.1: 3 of 1,613,286 alleles (0.00019%); highest among the groups gnomAD compares: Non-Finnish European, 0.00025%; no homozygotes.

Submission:

Labcorp Genetics (formerly Invitae), Labcorp
Classification: Uncertain significance for Early-infantile DEE. Last evaluated: 2025-10-11. Review status: criteria provided, single submitter. Criteria: Invitae Variant Classification Sherloc (09022015). Collection method: clinical testing. Allele origin: germline.
Comment: This sequence change replaces serine, which is neutral and polar, with leucine, which is neutral and non-polar, at codon 232 of the SCN8A protein (p.Ser232Leu). The frequency data for this variant in the population databases is considered unreliable, as metrics indicate poor data quality at this position in the gnomAD database. This variant has not been reported in the literature in individuals affected with SCN8A-related conditions. ClinVar contains an entry for this variant (Variation ID: 2864654). Invitae Evidence Modeling of protein sequence and biophysical properties (such as structural, functional, and spatial information, amino acid conservation, physicochemical variation, residue mobility, and thermodynamic stability) indicates that this missense variant is expected to disrupt SCN8A protein function with a positive predictive value of 95%. In summary, the available evidence is currently insufficient to determine the role of this variant in disease. Therefore, it has been classified as a Variant of Uncertain Significance.

NM_014191.4(SCN8A):c.695C>T (p.Ser232Leu)

Gene: SCN8A (sodium voltage-gated channel alpha subunit 8; plus strand). Cytogenetic location: 12q13.13.
Variant type: single nucleotide variant.
Coding change: c.695C>T on transcript NM_014191.4 (MANE Plus Clinical); coding-DNA position 695, C replaced by T.
Protein change: p.Ser232Leu; replaces serine 232 with leucine.
Molecular consequence: missense variant. On other transcripts: intron variant (2).
Genome position (GRCh38, 1-based): chr12:51,688,838, C>T. VCF-style: chr12-51688838-C-T. GRCh37 (hg19) VCF-style: chr12-52082622-C-T.
Other names: c.695C>T, p.Ser232Leu (NM_001177984.3); c.615-167C>T (NM_001330260.2, NM_001369788.1); short protein forms S232L.
Identifiers: ClinVar variation 2864654 (VCV002864654.3), dbSNP rs753589054, ClinGen allele CA6571101.
Genomic context (GRCh38, chr12:51,688,838, plus strand): 5'-ACCTAGGCAATGTTTCAGCTCTACGCACTTTCAGGGTACTGAGGGCTTTGAAAACTATTT[C>T]GGTAATCCCAGGTAAGATGGTCCGGGGTTGGTGTTAGGTGTTGGGATAGGGCCCTGACGT-3'
Protein context (NP_055006.1, residues 222-242): FRVLRALKTI[Ser232Leu]VIPGLKTIVG